The following is an entry in ClinVar:

ClinVar aggregate classification (germline): Uncertain significance (1 of 4 stars; one submission).

Submission:

GeneDx
Classification: Uncertain significance. Last evaluated: 2024-09-04. Review status: criteria provided, single submitter. Criteria: GeneDx Variant Classification Process June 2021. Collection method: clinical testing. Allele origin: germline. Affected: yes.
Comment: Not observed at significant frequency in large population cohorts (gnomAD); In silico analysis supports that this missense variant has a deleterious effect on protein structure/function; Has not been previously published as pathogenic or benign to our knowledge

NM_000264.5(PTCH1):c.320T>G (p.Leu107Arg)

Gene: PTCH1 (patched 1; minus strand). Cytogenetic location: 9q22.32.
Variant type: single nucleotide variant.
Coding change: c.320T>G on transcript NM_000264.5 (MANE Select); coding-DNA position 320, T replaced by G.
Protein change: p.Leu107Arg; replaces leucine 107 with arginine.
Molecular consequence: missense variant. On other transcripts: 5 prime UTR variant (4), non-coding transcript variant (1).
Genome position (GRCh38, 1-based): chr9:95,506,481, A>C on the plus strand (T>G on the coding strand, the complement: PTCH1 is on the minus strand). VCF-style: chr9-95506481-A-C. GRCh37 (hg19) VCF-style: chr9-98268763-A-C.
Other names: c.122T>G, p.Leu41Arg (NM_001083602.3, NM_001354919.2); c.317T>G, p.Leu106Arg (NM_001083603.3); c.-134T>G (NM_001083604.3, NM_001083605.3, NM_001083606.3 and 1 more transcripts); c.320T>G, p.Leu107Arg (NM_001354918.2); short protein forms L106R, L107R, L41R.
Identifiers: ClinVar variation 3767723 (VCV003767723.1).
Genomic context (GRCh38, chr9:95,506,481, plus strand): 5'-TCCTCCACGTTGGTCTCGAGGTTCGCTGCTTTTAATCCCACCGCGAAGGCCCCAAATATG[A>C]GGAGGCCCACAACCAAGAACTTGCCGCAGTTTTTTTGAATGTAACAACCCAGTTTAAATA-3'
Protein context (NP_000255.2, residues 97-117): NCGKFLVVGL[Leu107Arg]IFGAFAVGLK